The following is an entry in ClinVar:

NM_005051.3(QARS1):c.1999C>T (p.Arg667Trp)

Gene: QARS1 (glutaminyl-tRNA synthetase 1; minus strand). Cytogenetic location: 3p21.31.
Variant type: single nucleotide variant.
Coding change: c.1999C>T on transcript NM_005051.3 (MANE Select); coding-DNA position 1999, C replaced by T.
Protein change: p.Arg667Trp; replaces arginine 667 with tryptophan.
Molecular consequence: missense variant. On other transcripts: non-coding transcript variant (1).
Genome position (GRCh38, 1-based): chr3:49,098,438, G>A on the plus strand (C>T on the coding strand, the complement: QARS1 is on the minus strand). VCF-style: chr3-49098438-G-A. GRCh37 (hg19) VCF-style: chr3-49135871-G-A.
Other names: c.1966C>T, p.Arg656Trp (NM_001272073.2); c.1999C>T (NM_005051.1); short protein forms R667W, R656W.
Identifiers: ClinVar variation 477837 (VCV000477837.29), dbSNP rs370587517, ClinGen allele CA2391554.

ClinVar aggregate classification (germline): Uncertain significance. Review status: criteria provided, multiple submitters, no conflicts (2 of 4 stars). 3 submissions from 3 submitters: Uncertain significance (3). Last evaluated 2024-08-05.

Conditions:
Inborn genetic diseases. Identifiers: MedGen C0950123, MeSH D030342.
Diffuse cerebral and cerebellar atrophy - intractable seizures - progressive microcephaly syndrome. Also called: Microcephaly, progressive, with seizures and cerebral and cerebellar atrophy. Identifiers: Orphanet 404437, MedGen C4014239, MONDO:0014335, OMIM 615760.

Allele frequency attached by ClinVar (database versions not stated): gnomAD exomes 0.00009 and 0.00017; gnomAD 0.00011; TOPMed 0.00012; ESP Exome Variant Server 0.00015; ExAC 0.00026.
gnomAD v4.1: 165 of 1,614,024 alleles (0.01%); highest among the groups gnomAD compares: South Asian, 0.031%; 1 homozygote.

Submissions (3):

Ambry Genetics
Classification: Uncertain significance for Inborn genetic diseases. Last evaluated: 2024-08-05. Review status: criteria provided, single submitter. Criteria: Ambry Variant Classification Scheme 2023. Collection method: clinical testing. Allele origin: germline.

Labcorp Genetics (formerly Invitae), Labcorp
Classification: Uncertain significance for Diffuse cerebral and cerebellar atrophy - intractable seizures - progressive microcephaly syndrome. Last evaluated: 2022-08-16. Review status: criteria provided, single submitter. Criteria: Invitae Variant Classification Sherloc (09022015). Collection method: clinical testing. Allele origin: germline.
Comment: This sequence change replaces arginine, which is basic and polar, with tryptophan, which is neutral and slightly polar, at codon 667 of the QARS protein (p.Arg667Trp). This variant is present in population databases (rs370587517, gnomAD 0.02%). This variant has not been reported in the literature in individuals affected with QARS-related conditions. ClinVar contains an entry for this variant (Variation ID: 477837). Algorithms developed to predict the effect of missense changes on protein structure and function are either unavailable or do not agree on the potential impact of this missense change (SIFT: "Deleterious"; PolyPhen-2: "Possibly Damaging"; Align-GVGD: "Class C0"). In summary, the available evidence is currently insufficient to determine the role of this variant in disease. Therefore, it has been classified as a Variant of Uncertain Significance.

CeGaT Center for Human Genetics Tuebingen
Classification: Uncertain significance. Last evaluated: 2022-08-01. Review status: criteria provided, single submitter. Criteria: CeGaT Center For Human Genetics Tuebingen Variant Classification Criteria Version 2. Collection method: clinical testing. Allele origin: germline. Affected: yes. Observed: 2 variant alleles.
Comment: QARS1: PM2:Supporting, BP4